The following is an entry in ClinVar:

ClinVar aggregate classification (germline): Benign/Likely benign. Review status: criteria provided, multiple submitters, no conflicts (2 of 4 stars). 3 submissions from 3 submitters: Benign (1); Likely benign (1). 1 of the submissions does not count toward it. Last evaluated 2026-10-01.

Conditions:
NBEA-related disorder. Also called: NBEA-related condition.

Allele frequency attached by ClinVar (database versions not stated): gnomAD exomes 0.00027; ExAC 0.00152; ESP Exome Variant Server 0.00298; gnomAD 0.00338; TOPMed 0.00372; 1000 Genomes Project 30x 0.00406; 1000 Genomes Project 0.00419.
gnomAD v4.1: 934 of 1,607,832 alleles (0.058%); highest among the groups gnomAD compares: African/African-American, 1.1%; 3 homozygotes.

Submissions (3):

CeGaT Center for Human Genetics Tuebingen
Classification: Benign. Last evaluated: 2026-10-01. Review status: criteria provided, single submitter. Criteria: CeGaT Center For Human Genetics Tuebingen Variant Classification Criteria Version 2. Collection method: clinical testing. Allele origin: germline. Affected: yes. Observed: 5 variant alleles.
Comment: NBEA: BS1, BS2

Mayo Clinic Laboratories, Mayo Clinic
Classification: Likely benign. Last evaluated: 2024-08-12. Review status: criteria provided, single submitter. Criteria: ACMG Guidelines, 2015. Collection method: clinical testing. Allele origin: germline. Observed: 3 variant alleles.
Comment: BS1, BS2, PP2, PM1_supporting

PreventionGenetics, part of Exact Sciences
Classification: Benign for NBEA-related condition. Last evaluated: 2019-06-06. Review status: no assertion criteria provided. Collection method: clinical testing. Allele origin: germline. Not counted in ClinVar's aggregate classification.
Comment: This variant is classified as benign based on ACMG/AMP sequence variant interpretation guidelines (Richards et al. 2015 PMID: 25741868, with internal and published modifications).

Literature cited by the submitters: PubMed 28748566 (cited by Mayo Clinic Laboratories, Mayo Clinic); PubMed 37647632 (cited by Mayo Clinic Laboratories, Mayo Clinic).

NM_001385012.1(NBEA):c.1185A>C (p.Glu395Asp)

Gene: NBEA (neurobeachin; plus strand). Cytogenetic location: 13q13.3.
Variant type: single nucleotide variant.
Coding change: c.1185A>C on transcript NM_001385012.1 (MANE Select); coding-DNA position 1185, A replaced by C.
Protein change: p.Glu395Asp; replaces glutamic acid 395 with aspartic acid.
Molecular consequence: missense variant.
Genome position (GRCh38, 1-based): chr13:35,058,809, A>C. VCF-style: chr13-35058809-A-C. GRCh37 (hg19) VCF-style: chr13-35632946-A-C.
Other names: p.Glu395Asp; c.1185A>C, p.Glu395Asp (NM_001379245.1, NM_015678.5); short protein forms E395D.
Identifiers: ClinVar variation 3044330 (VCV003044330.22), dbSNP rs200848935, ClinGen allele CA6946222.
Genomic context (GRCh38, chr13:35,058,809, plus strand): 5'-AACTGCTGATGCAAATAGGGTATTCTGTGGTCAACTTGGTGCCGTGTATGTGTTCAGTGA[A>C]GCACTCAACCCAGCACAGATATTTGCAATTCATCAGTTAGGACCTGGATATAAGGTAGTA-3'
Protein context (NP_001371941.1, residues 385-405): GQLGAVYVFS[Glu395Asp]ALNPAQIFAI